The following is an entry in ClinVar:

NM_144599.5(NIPA1):c.*1563C>T

Gene: NIPA1 (NIPA magnesium transporter 1; plus strand). Cytogenetic location: 15q11.2.
Variant type: single nucleotide variant.
Coding change: c.*1563C>T on transcript NM_144599.5 (MANE Select); 1563 bases downstream of the stop codon, C replaced by T.
Molecular consequence: 3 prime UTR variant.
Genome position (GRCh38, 1-based): chr15:22,825,802, C>T. VCF-style: chr15-22825802-C-T. GRCh37 (hg19) VCF-style: chr15-23047266-G-A.
Other names: c.*1563C>T (NM_001142275.1).
Identifiers: ClinVar variation 315399 (VCV000315399.6), dbSNP rs72698098, ClinGen allele CA10645541.

ClinVar aggregate classification (germline): Benign. Review status: criteria provided, multiple submitters, no conflicts (2 of 4 stars). 2 submissions from 2 submitters: Benign (2). Last evaluated 2018-01-13.

Conditions:
Hereditary spastic paraplegia 6 (SPG6). Also called: SPASTIC PARAPLEGIA 6, AUTOSOMAL DOMINANT. Identifiers: Orphanet 100988, MedGen C1838192, MONDO:0010878, OMIM 600363.

Allele frequency attached by ClinVar (database versions not stated): gnomAD exomes 0.04502; gnomAD 0.09246 and 0.09493; TOPMed 0.09827; 1000 Genomes Project 30x 0.10915; 1000 Genomes Project 0.11022.
gnomAD v4.1: 14,513 of 152,644 alleles (9.5%); highest among the groups gnomAD compares: Middle Eastern, 26%; 743 homozygotes.

Submissions (2):

Illumina Laboratory Services, Illumina
Classification: Benign for Hereditary spastic paraplegia 6. Last evaluated: 2018-01-13. Review status: criteria provided, single submitter. Criteria: ICSL Variant Classification Criteria 13 December 2019. Collection method: clinical testing. Allele origin: germline.
Comment: This variant was observed in the ICSL laboratory as part of a predisposition screen in an ostensibly healthy population. It had not been previously curated by ICSL or reported in the Human Gene Mutation Database (HGMD: prior to June 1st, 2018), and was therefore a candidate for classification through an automated scoring system. Utilizing variant allele frequency, disease prevalence and penetrance estimates, and inheritance mode, an automated score was calculated to assess if this variant is too frequent to cause the disease. Based on the score and internal cut-off values, a variant classified as benign is not then subjected to further curation. The score for this variant resulted in a classification of benign for this disease.

Breakthrough Genomics
Classification: Benign. Review status: criteria provided, single submitter. Criteria: ACMG Guidelines, 2015. Collection method: not provided. Allele origin: germline. Inheritance: Autosomal dominant inheritance. Affected: yes.